The following is an entry in ClinVar:

NM_005585.5(SMAD6):c.1082C>T (p.Pro361Leu)

Gene: SMAD6 (SMAD family member 6; plus strand). Cytogenetic location: 15q22.31.
Variant type: single nucleotide variant.
Coding change: c.1082C>T on transcript NM_005585.5 (MANE Select); coding-DNA position 1082, C replaced by T.
Protein change: p.Pro361Leu; replaces proline 361 with leucine.
Molecular consequence: missense variant. On other transcripts: non-coding transcript variant (1).
Genome position (GRCh38, 1-based): chr15:66,781,126, C>T. VCF-style: chr15-66781126-C-T. GRCh37 (hg19) VCF-style: chr15-67073464-C-T.
Other names: short protein forms P361L.
Identifiers: ClinVar variation 3712194 (VCV003712194.2).

ClinVar aggregate classification (germline): Uncertain significance (1 of 4 stars; one submission).

Conditions:
Aortic valve disease 2 (AOVD2). Identifiers: MedGen C3542024, MONDO:0013902, OMIM 614823.

gnomAD v4.1: 2 of 1,608,914 alleles (0.00012%); highest among the groups gnomAD compares: Non-Finnish European, 0.00017%; no homozygotes.

Submission:

Labcorp Genetics (formerly Invitae), Labcorp
Classification: Uncertain significance for Aortic valve disease 2. Last evaluated: 2024-12-23. Review status: criteria provided, single submitter. Criteria: Invitae Variant Classification Sherloc (09022015). Collection method: clinical testing. Allele origin: germline.
Comment: This sequence change replaces proline, which is neutral and non-polar, with leucine, which is neutral and non-polar, at codon 361 of the SMAD6 protein (p.Pro361Leu). This variant is not present in population databases (gnomAD no frequency). This variant has not been reported in the literature in individuals affected with SMAD6-related conditions. Invitae Evidence Modeling of protein sequence and biophysical properties (such as structural, functional, and spatial information, amino acid conservation, physicochemical variation, residue mobility, and thermodynamic stability) indicates that this missense variant is not expected to disrupt SMAD6 protein function with a negative predictive value of 80%. In summary, the available evidence is currently insufficient to determine the role of this variant in disease. Therefore, it has been classified as a Variant of Uncertain Significance.